The following is an entry in ClinVar:

NM_000321.3(RB1):c.1453T>A (p.Ser485Thr)

Gene: RB1 (RB transcriptional corepressor 1; plus strand). Cytogenetic location: 13q14.2.
Variant type: single nucleotide variant.
Coding change: c.1453T>A on transcript NM_000321.3 (MANE Select); coding-DNA position 1453, T replaced by A.
Protein change: p.Ser485Thr; replaces serine 485 with threonine.
Molecular consequence: missense variant.
Genome position (GRCh38, 1-based): chr13:48,380,196, T>A. VCF-style: chr13-48380196-T-A. GRCh37 (hg19) VCF-style: chr13-48954332-T-A.
Other names: c.1453T>A, p.Ser485Thr (NM_001407165.1, NM_001407166.1); short protein forms S485T.
Identifiers: ClinVar variation 1773006 (VCV001773006.5), dbSNP rs1948522903, ClinGen allele CA388162832.

ClinVar aggregate classification (germline): Uncertain significance. Review status: criteria provided, multiple submitters, no conflicts (2 of 4 stars). 2 submissions from 2 submitters: Uncertain significance (2). Last evaluated 2025-02-27.

Conditions:
Hereditary cancer-predisposing syndrome. Also called: Hereditary Cancer Syndrome; Hereditary neoplastic syndrome; Neoplastic Syndromes, Hereditary; Tumor predisposition. Identifiers: Orphanet 140162, MedGen C0027672, MeSH D009386, MONDO:0015356.
Retinoblastoma (RB1). Also called: RETINOBLASTOMA, SOMATIC. Identifiers: Orphanet 790, MedGen C0035335, MeSH D012175, MONDO:0008380, OMIM 180200, HP:0009919. Disease mechanism: loss of function. Inheritance: Both sporadic and heritable forms are tested..

Submissions (2):

Ambry Genetics
Classification: Uncertain significance for Hereditary cancer-predisposing syndrome. Last evaluated: 2025-02-27. Review status: criteria provided, single submitter. Criteria: Ambry Variant Classification Scheme 2023. Collection method: clinical testing. Allele origin: germline.
Comment: The p.S485T variant (also known as c.1453T>A), located in coding exon 16 of the RB1 gene, results from a T to A substitution at nucleotide position 1453. The serine at codon 485 is replaced by threonine, an amino acid with similar properties. This amino acid position is highly conserved in available vertebrate species. In addition, this alteration is predicted to be deleterious by in silico analysis. Based on the available evidence, the clinical significance of this variant remains unclear.

Labcorp Genetics (formerly Invitae), Labcorp
Classification: Uncertain significance for Retinoblastoma. Last evaluated: 2024-04-15. Review status: criteria provided, single submitter. Criteria: Invitae Variant Classification Sherloc (09022015). Collection method: clinical testing. Allele origin: germline.
Comment: This sequence change replaces serine, which is neutral and polar, with threonine, which is neutral and polar, at codon 485 of the RB1 protein (p.Ser485Thr). This variant is not present in population databases (gnomAD no frequency). This variant has not been reported in the literature in individuals affected with RB1-related conditions. ClinVar contains an entry for this variant (Variation ID: 1773006). Advanced modeling of protein sequence and biophysical properties (such as structural, functional, and spatial information, amino acid conservation, physicochemical variation, residue mobility, and thermodynamic stability) has been performed at Invitae for this missense variant, however the output from this modeling did not meet the statistical confidence thresholds required to predict the impact of this variant on RB1 protein function. In summary, the available evidence is currently insufficient to determine the role of this variant in disease. Therefore, it has been classified as a Variant of Uncertain Significance.